The following is an entry in ClinVar:

NM_020719.3(PRR12):c.1072G>A (p.Ala358Thr)

Gene: PRR12 (proline rich 12; plus strand). Cytogenetic location: 19q13.33.
Variant type: single nucleotide variant.
Coding change: c.1072G>A on transcript NM_020719.3 (MANE Select); coding-DNA position 1072, G replaced by A.
Protein change: p.Ala358Thr; replaces alanine 358 with threonine.
Molecular consequence: missense variant.
Genome position (GRCh38, 1-based): chr19:49,595,407, G>A. VCF-style: chr19-49595407-G-A. GRCh37 (hg19) VCF-style: chr19-50098664-G-A.
Other names: short protein forms A358T.
Identifiers: ClinVar variation 2504314 (VCV002504314.1), dbSNP rs1352714497, ClinGen allele CA406860123.

ClinVar aggregate classification (germline): Uncertain significance (1 of 4 stars; one submission).

gnomAD v4.1: 1 of 1,544,248 alleles (0.000065%); highest among the groups gnomAD compares: African/African-American, 0.0014%; no homozygotes.

Submission:

GeneDx
Classification: Uncertain significance. Last evaluated: 2022-12-02. Review status: criteria provided, single submitter. Criteria: GeneDx Variant Classification Process June 2021. Collection method: clinical testing. Allele origin: germline. Affected: yes.
Comment: Not observed at significant frequency in large population cohorts (gnomAD); In silico analysis supports that this missense variant does not alter protein structure/function; Has not been previously published as pathogenic or benign to our knowledge